The following is an entry in ClinVar:

NM_012216.4(MID2):c.448G>T (p.Ala150Ser)

Gene: MID2 (midline 2; plus strand). Cytogenetic location: Xq22.3.
Variant type: single nucleotide variant.
Coding change: c.448G>T on transcript NM_012216.4 (MANE Select); coding-DNA position 448, G replaced by T.
Protein change: p.Ala150Ser; replaces alanine 150 with serine.
Molecular consequence: missense variant.
Genome position (GRCh38, 1-based): chrX:107,841,113, G>T. VCF-style: chrX-107841113-G-T. GRCh37 (hg19) VCF-style: chrX-107084343-G-T.
Other names: c.448G>T, p.Ala150Ser (NM_052817.3); short protein forms A150S.
Identifiers: ClinVar variation 224103 (VCV000224103.2), dbSNP rs375785745, ClinGen allele CA211950.
Genomic context (GRCh38, chrX:107,841,113, plus strand): 5'-ACTGCCATGTCTAGCGAGCGAATTGCTTGCCAATTCTGTGAGCAGGACCCGCCAAGGGAT[G>T]CAGTAAAAACATGCATCACCTGTGAGGTCTCCTACTGTGACCGTTGCCTGCGGGCCACGC-3'
Protein context (NP_036348.2, residues 140-160): QFCEQDPPRD[Ala150Ser]VKTCITCEVS

ClinVar aggregate classification (germline): Uncertain significance. Review status: criteria provided, multiple submitters, no conflicts (2 of 4 stars). 2 submissions from 2 submitters: Uncertain significance (2). Last evaluated 2024-03-20.

Conditions:
Intellectual developmental disorder, X-linked 101. Also called: Intellectual disability, X-linked 101. Identifiers: Orphanet 777, MedGen C3890168, MONDO:0010489, OMIM 300928.

Allele frequency attached by ClinVar (database versions not stated): ExAC 0.00001; TOPMed 0.00001; ESP Exome Variant Server 0.00009.

Submissions (2):

Greenwood Genetic Center Diagnostic Laboratories, Greenwood Genetic Center
Classification: Uncertain significance. Last evaluated: 2024-03-20. Review status: criteria provided, single submitter. Criteria: ACMG Guidelines, 2015. Collection method: clinical testing. Allele origin: germline. Affected: yes.
Comment: PM2

HudsonAlpha Institute for Biotechnology
Classification: Uncertain significance for Intellectual developmental disorder, X-linked 101. Last evaluated: 2014-12-09. Review status: criteria provided, single submitter. Criteria: HA_assertions_20161101. Collection method: research. Allele origin: maternal. Affected: yes. Study: CSER-HudsonAlpha.